The following is an entry in ClinVar:

NM_000057.4(BLM):c.3000A>C (p.Arg1000Ser)

Gene: BLM (BLM RecQ like helicase; plus strand). Cytogenetic location: 15q26.1.
Variant type: single nucleotide variant.
Coding change: c.3000A>C on transcript NM_000057.4 (MANE Select); coding-DNA position 3000, A replaced by C.
Protein change: p.Arg1000Ser; replaces arginine 1000 with serine.
Molecular consequence: missense variant.
Genome position (GRCh38, 1-based): chr15:90,790,825, A>C. VCF-style: chr15-90790825-A-C. GRCh37 (hg19) VCF-style: chr15-91334055-A-C.
Other names: c.3000A>C, p.Arg1000Ser (NM_001287246.2, NM_001287247.2); c.1875A>C, p.Arg625Ser (NM_001287248.2); short protein forms R1000S, R625S.
Identifiers: ClinVar variation 3224365 (VCV003224365.1), dbSNP rs1395403568, ClinGen allele CA393846589.

ClinVar aggregate classification (germline): Uncertain significance (1 of 4 stars; one submission).

Conditions:
Hereditary cancer-predisposing syndrome. Also called: Tumor predisposition; Hereditary neoplastic syndrome; Hereditary Cancer Syndrome; Neoplastic Syndromes, Hereditary. Identifiers: Orphanet 140162, MedGen C0027672, MeSH D009386, MONDO:0015356.

gnomAD v4.1: 4 of 1,613,992 alleles (0.00025%); highest among the groups gnomAD compares: Non-Finnish European, 0.00034%; no homozygotes.

Submission:

Ambry Genetics
Classification: Uncertain significance for Hereditary cancer-predisposing syndrome. Last evaluated: 2024-03-05. Review status: criteria provided, single submitter. Criteria: Ambry Variant Classification Scheme 2023. Collection method: clinical testing. Allele origin: germline.
Comment: The p.R1000S variant (also known as c.3000A>C), located in coding exon 14 of the BLM gene, results from an A to C substitution at nucleotide position 3000. The arginine at codon 1000 is replaced by serine, an amino acid with dissimilar properties. This amino acid position is conserved. In addition, this alteration is predicted to be deleterious by in silico analysis. Based on the available evidence, the clinical significance of this alteration remains unclear.